The following is an entry in ClinVar:

ClinVar aggregate classification (germline): Uncertain significance (1 of 4 stars; one submission).

gnomAD v4.1: 4 of 1,613,782 alleles (0.00025%); highest among the groups gnomAD compares: African/African-American, 0.0053%; no homozygotes.

Submission:

Labcorp Genetics (formerly Invitae), Labcorp
Classification: Uncertain significance. Last evaluated: 2024-05-08. Review status: criteria provided, single submitter. Criteria: Invitae Variant Classification Sherloc (09022015). Collection method: clinical testing. Allele origin: germline.
Comment: This sequence change replaces glutamine, which is neutral and polar, with histidine, which is basic and polar, at codon 121 of the ANGPT1 protein (p.Gln121His). This variant is not present in population databases (gnomAD no frequency). This variant has not been reported in the literature in individuals affected with ANGPT1-related conditions. An algorithm developed to predict the effect of missense changes on protein structure and function (PolyPhen-2) suggests that this variant is likely to be tolerated. In summary, the available evidence is currently insufficient to determine the role of this variant in disease. Therefore, it has been classified as a Variant of Uncertain Significance.

NM_001146.5(ANGPT1):c.363G>C (p.Gln121His)

Gene: ANGPT1 (angiopoietin 1; minus strand). Cytogenetic location: 8q23.1.
Variant type: single nucleotide variant.
Coding change: c.363G>C on transcript NM_001146.5 (MANE Select); coding-DNA position 363, G replaced by C.
Protein change: p.Gln121His; replaces glutamine 121 with histidine.
Molecular consequence: missense variant.
Genome position (GRCh38, 1-based): chr8:107,347,032, C>G on the plus strand (G>C on the coding strand, the complement: ANGPT1 is on the minus strand). VCF-style: chr8-107347032-C-G. GRCh37 (hg19) VCF-style: chr8-108359260-C-G.
Other names: c.363G>C, p.Gln121His (NM_001199859.3); short protein forms Q121H.
Identifiers: ClinVar variation 3699433 (VCV003699433.2).